The following is an entry in ClinVar:

ClinVar aggregate classification (germline): Uncertain significance (1 of 4 stars; one submission).

Allele frequency attached by ClinVar (database versions not stated): gnomAD exomes below 0.00001; gnomAD 0.00001; TOPMed 0.00001.
gnomAD v4.1: 2 of 1,613,746 alleles (0.00012%); highest among the groups gnomAD compares: Non-Finnish European, 0.00017%; no homozygotes.

Submission:

Athena Diagnostics
Classification: Uncertain significance. Last evaluated: 2023-01-17. Review status: criteria provided, single submitter. Criteria: Athena Diagnostics Criteria. Collection method: clinical testing. Allele origin: unknown.
Comment: Available data are insufficient to determine the clinical significance of the variant at this time. The frequency of this variant in the general population is uninformative in assessment of its pathogenicity. Computational tools predict that this variant is not damaging.

NM_014363.6(SACS):c.8426A>C (p.Glu2809Ala)

Gene: SACS (sacsin molecular chaperone; minus strand). Cytogenetic location: 13q12.12.
Variant type: single nucleotide variant.
Coding change: c.8426A>C on transcript NM_014363.6 (MANE Select); coding-DNA position 8426, A replaced by C.
Protein change: p.Glu2809Ala; replaces glutamic acid 2809 with alanine.
Molecular consequence: missense variant.
Genome position (GRCh38, 1-based): chr13:23,335,450, T>G on the plus strand (A>C on the coding strand, the complement: SACS is on the minus strand). VCF-style: chr13-23335450-T-G. GRCh37 (hg19) VCF-style: chr13-23909589-T-G.
Other names: c.7985A>C, p.Glu2662Ala (NM_001278055.2); short protein forms E2662A, E2809A.
Identifiers: ClinVar variation 2684334 (VCV002684334.1), dbSNP rs1014170767, ClinGen allele CA246654268.